The following is an entry in ClinVar:

ClinVar aggregate classification (germline): Uncertain significance (1 of 4 stars; one submission).

Conditions:
Myofibrillar myopathy 5. Also called: FILAMINOPATHY, AUTOSOMAL DOMINANT; Filaminopathy (type). Identifiers: Orphanet 171445, MedGen C1836050, MONDO:0012289, OMIM 609524.
Hypertrophic cardiomyopathy 26. Also called: Cardiomyopathy, familial hypertrophic, 26. Identifiers: Orphanet 75249, MedGen C4310749, MONDO:0014883, OMIM 617047.
Distal myopathy with posterior leg and anterior hand involvement. Also called: WILLIAMS DISTAL MYOPATHY. Identifiers: Orphanet 63273, MedGen C3279722, MONDO:0013550, OMIM 614065.

Submission:

Labcorp Genetics (formerly Invitae), Labcorp
Classification: Uncertain significance for Distal myopathy with posterior leg and anterior hand involvement; Myofibrillar myopathy 5; Hypertrophic cardiomyopathy 26. Last evaluated: 2023-12-31. Review status: criteria provided, single submitter. Criteria: Invitae Variant Classification Sherloc (09022015). Collection method: clinical testing. Allele origin: germline.
Comment: This sequence change replaces valine, which is neutral and non-polar, with alanine, which is neutral and non-polar, at codon 1242 of the FLNC protein (p.Val1242Ala). This variant is not present in population databases (gnomAD no frequency). This variant has not been reported in the literature in individuals affected with FLNC-related conditions. Advanced modeling of protein sequence and biophysical properties (such as structural, functional, and spatial information, amino acid conservation, physicochemical variation, residue mobility, and thermodynamic stability) has been performed at Invitae for this missense variant, however the output from this modeling did not meet the statistical confidence thresholds required to predict the impact of this variant on FLNC protein function. In summary, the available evidence is currently insufficient to determine the role of this variant in disease. Therefore, it has been classified as a Variant of Uncertain Significance.

NM_001458.5(FLNC):c.3725T>C (p.Val1242Ala)

Gene: FLNC (filamin C; plus strand). Cytogenetic location: 7q32.1.
Variant type: single nucleotide variant.
Coding change: c.3725T>C on transcript NM_001458.5 (MANE Select); coding-DNA position 3725, T replaced by C.
Protein change: p.Val1242Ala; replaces valine 1242 with alanine.
Molecular consequence: missense variant.
Genome position (GRCh38, 1-based): chr7:128,845,190, T>C. VCF-style: chr7-128845190-T-C. GRCh37 (hg19) VCF-style: chr7-128485244-T-C.
Other names: c.3725T>C, p.Val1242Ala (NM_001127487.2); short protein forms V1242A.
Identifiers: ClinVar variation 2921856 (VCV002921856.3), dbSNP rs2536638556, ClinGen allele CA369197839.